The following is an entry in ClinVar:

ClinVar aggregate classification (germline): Uncertain significance (1 of 4 stars; one submission).

Conditions:
Immunodeficiency 104. Also called: Severe combined immunodeficiency, autosomal recessive, T cell-negative, B cell-positive, NK cell-positive; IMMUNODEFICIENCY 104, SEVERE COMBINED; SCID, AUTOSOMAL RECESSIVE, T CELL-NEGATIVE, B CELL-POSITIVE, NK CELL-POSITIVE; Severe Combined Immune Deficiency, Autosomal Recessive, TCell -Negative, B Cell-Positive, NK Cell-Positive, IL7R-Related. Identifiers: MedGen C5676890, MONDO:0012163, OMIM 608971.

Allele frequency attached by ClinVar (database versions not stated): gnomAD 0.00001; gnomAD exomes 0.00001; TOPMed 0.00002.
gnomAD v4.1: 1 of 1,614,068 alleles (0.000062%); highest among the groups gnomAD compares: Non-Finnish European, 0.000085%; no homozygotes.

Submission:

Labcorp Genetics (formerly Invitae), Labcorp
Classification: Uncertain significance for Immunodeficiency 104. Last evaluated: 2022-07-12. Review status: criteria provided, single submitter. Criteria: Invitae Variant Classification Sherloc (09022015). Collection method: clinical testing. Allele origin: germline.
Comment: This sequence change replaces valine, which is neutral and non-polar, with isoleucine, which is neutral and non-polar, at codon 104 of the PTPRC protein (p.Val104Ile). This variant is present in population databases (no rsID available, gnomAD 0.002%). This variant has not been reported in the literature in individuals affected with PTPRC-related conditions. ClinVar contains an entry for this variant (Variation ID: 839888). Algorithms developed to predict the effect of missense changes on protein structure and function (SIFT, PolyPhen-2, Align-GVGD) all suggest that this variant is likely to be tolerated. In summary, the available evidence is currently insufficient to determine the role of this variant in disease. Therefore, it has been classified as a Variant of Uncertain Significance.

NM_002838.5(PTPRC):c.310G>A (p.Val104Ile)

Gene: PTPRC (protein tyrosine phosphatase receptor type C; plus strand). Cytogenetic location: 1q31.3.
Variant type: single nucleotide variant.
Coding change: c.310G>A on transcript NM_002838.5 (MANE Select); coding-DNA position 310, G replaced by A.
Protein change: p.Val104Ile; replaces valine 104 with isoleucine.
Molecular consequence: missense variant. On other transcripts: intron variant (1).
Genome position (GRCh38, 1-based): chr1:198,699,575, G>A. VCF-style: chr1-198699575-G-A. GRCh37 (hg19) VCF-style: chr1-198668704-G-A.
Other names: c.101-3723G>A (NM_080921.4); short protein forms V104I.
Identifiers: ClinVar variation 839888 (VCV000839888.5), dbSNP rs988779141, ClinGen allele CA36182640.